The following is an entry in ClinVar:

NM_001035.3(RYR2):c.1199A>C (p.Asp400Ala)

Gene: RYR2 (ryanodine receptor 2; plus strand). Cytogenetic location: 1q43.
Variant type: single nucleotide variant.
Coding change: c.1199A>C on transcript NM_001035.3 (MANE Select); coding-DNA position 1199, A replaced by C.
Protein change: p.Asp400Ala; replaces aspartic acid 400 with alanine.
Molecular consequence: missense variant.
Genome position (GRCh38, 1-based): chr1:237,445,429, A>C. VCF-style: chr1-237445429-A-C. GRCh37 (hg19) VCF-style: chr1-237608729-A-C.
Other names: short protein forms D400A.
Identifiers: ClinVar variation 2075220 (VCV002075220.4), dbSNP rs2528379037, ClinGen allele CA345377494.

ClinVar aggregate classification (germline): Pathogenic (1 of 4 stars; one submission).

Conditions:
Catecholaminergic polymorphic ventricular tachycardia 1. Also called: VENTRICULAR TACHYCARDIA, CATECHOLAMINERGIC POLYMORPHIC, 1, WITH OR WITHOUT ATRIAL DYSFUNCTION AND/OR DILATED CARDIOMYOPATHY; RYR2-Related Catecholaminergic Polymorphic Ventricular Tachycardia; VENTRICULAR TACHYCARDIA, STRESS-INDUCED POLYMORPHIC 1. Identifiers: Orphanet 3286, MedGen C1631597, MONDO:0011484, OMIM 604772.

Submission:

Labcorp Genetics (formerly Invitae), Labcorp
Classification: Pathogenic for Catecholaminergic polymorphic ventricular tachycardia 1. Last evaluated: 2025-05-05. Review status: criteria provided, single submitter. Criteria: Invitae Variant Classification Sherloc (09022015). Collection method: clinical testing. Allele origin: germline.
Comment: This sequence change replaces aspartic acid, which is acidic and polar, with alanine, which is neutral and non-polar, at codon 400 of the RYR2 protein (p.Asp400Ala). This variant is not present in population databases (gnomAD no frequency). This missense change has been observed in individual(s) with clinical features of RYR2-related conditions (internal data). It has also been observed to segregate with disease in related individuals. ClinVar contains an entry for this variant (Variation ID: 2075220). Invitae Evidence Modeling of protein sequence and biophysical properties (such as structural, functional, and spatial information, amino acid conservation, physicochemical variation, residue mobility, and thermodynamic stability) indicates that this missense variant is expected to disrupt RYR2 protein function with a positive predictive value of 95%. This variant disrupts the p.Asp400 amino acid residue in RYR2. Other variant(s) that disrupt this residue have been determined to be pathogenic (internal data). This suggests that this residue is clinically significant, and that variants that disrupt this residue are likely to be disease-causing. For these reasons, this variant has been classified as Pathogenic.